The following is an entry in ClinVar:

NM_005732.4(RAD50):c.2159A>G (p.Lys720Arg)

Gene: RAD50 (RAD50 double strand break repair protein; plus strand). Cytogenetic location: 5q31.1.
Variant type: single nucleotide variant.
Coding change: c.2159A>G on transcript NM_005732.4 (MANE Select); coding-DNA position 2159, A replaced by G.
Protein change: p.Lys720Arg; replaces lysine 720 with arginine.
Molecular consequence: missense variant.
Genome position (GRCh38, 1-based): chr5:132,595,762, A>G. VCF-style: chr5-132595762-A-G. GRCh37 (hg19) VCF-style: chr5-131931454-A-G.
Other names: short protein forms K720R.
Identifiers: ClinVar variation 142727 (VCV000142727.17), dbSNP rs587782674, ClinGen allele CA169258.

ClinVar aggregate classification (germline): Uncertain significance. Review status: criteria provided, multiple submitters, no conflicts (2 of 4 stars). 3 submissions from 3 submitters: Uncertain significance (3). Last evaluated 2026-01-28.

Conditions:
Hereditary cancer-predisposing syndrome. Also called: Hereditary Cancer Syndrome; Neoplastic Syndromes, Hereditary; Hereditary neoplastic syndrome; Tumor predisposition. Identifiers: Orphanet 140162, MedGen C0027672, MeSH D009386, MONDO:0015356.
Nijmegen breakage syndrome-like disorder (NBSLD). Also called: MICROCEPHALY AND SPONTANEOUS CHROMOSOME INSTABILITY WITHOUT IMMUNODEFICIENCY; NBS-LIKE DISORDER; RAD50 DEFICIENCY. Identifiers: Orphanet 240760, MedGen C2751318, MONDO:0013118, OMIM 613078.

Allele frequency attached by ClinVar (database versions not stated): gnomAD exomes below 0.00001; gnomAD 0.00002; TOPMed 0.00002.
gnomAD v4.1: 7 of 1,613,674 alleles (0.00043%); highest among the groups gnomAD compares: Admixed American, 0.012%; no homozygotes.

Submissions (3):

Labcorp Genetics (formerly Invitae), Labcorp
Classification: Uncertain significance for Hereditary cancer-predisposing syndrome. Last evaluated: 2026-01-28. Review status: criteria provided, single submitter. Criteria: Invitae Variant Classification Sherloc (09022015). Collection method: clinical testing. Allele origin: germline.
Comment: This sequence change replaces lysine, which is basic and polar, with arginine, which is basic and polar, at codon 720 of the RAD50 protein (p.Lys720Arg). This variant is not present in population databases (gnomAD no frequency). This variant has not been reported in the literature in individuals affected with RAD50-related conditions. ClinVar contains an entry for this variant (Variation ID: 142727). Invitae Evidence Modeling of protein sequence and biophysical properties (such as structural, functional, and spatial information, amino acid conservation, physicochemical variation, residue mobility, and thermodynamic stability) indicates that this missense variant is not expected to disrupt RAD50 protein function with a negative predictive value of 80%. In summary, the available evidence is currently insufficient to determine the role of this variant in disease. Therefore, it has been classified as a Variant of Uncertain Significance.

Ambry Genetics
Classification: Uncertain significance for Hereditary cancer-predisposing syndrome. Last evaluated: 2025-08-24. Review status: criteria provided, single submitter. Criteria: Ambry Variant Classification Scheme 2023. Collection method: clinical testing. Allele origin: germline.
Comment: The p.K720R variant (also known as c.2159A>G), located in coding exon 13 of the RAD50 gene, results from an A to G substitution at nucleotide position 2159. The lysine at codon 720 is replaced by arginine, an amino acid with highly similar properties. This amino acid position is well conserved in available vertebrate species. In addition, this alteration is predicted to be tolerated by in silico analysis. Since supporting evidence is limited at this time, the clinical significance of this alteration remains unclear.

Baylor Genetics
Classification: Uncertain significance for Nijmegen breakage syndrome-like disorder. Last evaluated: 2024-02-19. Review status: criteria provided, single submitter. Criteria: ACMG Guidelines, 2015. Collection method: clinical testing. Allele origin: unknown.